The following is an entry in ClinVar:

NM_000138.5(FBN1):c.170A>G (p.Asn57Ser)

Gene: FBN1 (fibrillin 1; minus strand). Cytogenetic location: 15q21.1.
Variant type: single nucleotide variant.
Coding change: c.170A>G on transcript NM_000138.5 (MANE Select); coding-DNA position 170, A replaced by G.
Protein change: p.Asn57Ser; replaces asparagine 57 with serine.
Molecular consequence: missense variant.
Genome position (GRCh38, 1-based): chr15:48,613,087, T>C on the plus strand (A>G on the coding strand, the complement: FBN1 is on the minus strand). VCF-style: chr15-48613087-T-C. GRCh37 (hg19) VCF-style: chr15-48905284-T-C.
Other names: short protein forms N57S.
Identifiers: ClinVar variation 918427 (VCV000918427.15), dbSNP rs2044669666, ClinGen allele CA392448525.

ClinVar aggregate classification (germline): Uncertain significance. Review status: criteria provided, multiple submitters, no conflicts (2 of 4 stars). 4 submissions from 4 submitters: Uncertain significance (4). Last evaluated 2022-05-04.

Conditions:
Familial thoracic aortic aneurysm and aortic dissection (TAAD). Also called: Thoracic aortic aneurysms and dissections. Identifiers: Orphanet 91387, MedGen C4707243, MONDO:0019625.
Marfan syndrome (MFS). Also called: Marfan syndrome, classic; Marfan syndrome type 1; Marfan's syndrome; FBN1-Related Marfan Syndrome; MARFAN SYNDROME, TYPE I. Identifiers: Orphanet 284963, Orphanet 558, MedGen C0024796, MONDO:0007947, OMIM 154700.

Allele frequency attached by ClinVar (database versions not stated): gnomAD exomes below 0.00001.
gnomAD v4.1: 3 of 1,612,180 alleles (0.00019%); highest among the groups gnomAD compares: Non-Finnish European, 0.00025%; no homozygotes.

Submissions (4):

Mendelics
Classification: Uncertain significance. Last evaluated: 2022-05-04. Review status: criteria provided, single submitter. Criteria: Mendelics Assertion Criteria 2019. Collection method: clinical testing. Allele origin: germline.

GeneDx
Classification: Uncertain significance. Last evaluated: 2021-03-24. Review status: criteria provided, single submitter. Criteria: GeneDx Variant Classification Process June 2021. Collection method: clinical testing. Allele origin: germline. Affected: yes.
Comment: Has not been previously published as pathogenic or benign to our knowledge; Not observed in large population cohorts (Lek et al., 2016); In silico analysis supports that this missense variant has a deleterious effect on protein structure/function; Does not affect a cysteine residue within a calcium-binding EGF-like domain of the FBN1 gene; cysteine substitutions in the calcium-binding EGF-like domains represent the majority of pathogenic missense changes associated with FBN1-related disorders (Collod-Beroud et al., 2003).; Reported in ClinVar as a variant of uncertain significance (ClinVar Variant ID# 918427; Landrum et al., 2016)

Color Diagnostics, LLC DBA Color Health
Classification: Uncertain significance for Familial thoracic aortic aneurysm and aortic dissection. Last evaluated: 2019-10-11. Review status: criteria provided, single submitter. Criteria: ACMG Guidelines, 2015. Collection method: clinical testing. Allele origin: germline.
Comment: This missense variant replaces asparagine with serine at codon 57 of the FBN1 protein. Computational prediction is inconclusive regarding the impact of this variant on protein structure and function (internally defined REVEL score threshold 0.5 < inconclusive < 0.7, PMID: 27666373). Splice site prediction tools suggest that this variant may not impact RNA splicing. To our knowledge, functional studies have not been performed for this variant. This variant has not been reported in individuals affected with cardiovascular disorders in the literature. This variant has not been identified in the general population by the Genome Aggregation Database (gnomAD). The available evidence is insufficient to determine the role of this variant in disease conclusively. Therefore, this variant is classified as a Variant of Uncertain Significance.

Labcorp Genetics (formerly Invitae), Labcorp
Classification: Uncertain significance for Marfan syndrome; Familial thoracic aortic aneurysm and aortic dissection. Last evaluated: 2019-09-11. Review status: criteria provided, single submitter. Criteria: Invitae Variant Classification Sherloc (09022015). Collection method: clinical testing. Allele origin: germline.
Comment: This sequence change replaces asparagine with serine at codon 57 of the FBN1 protein (p.Asn57Ser). The asparagine residue is moderately conserved and there is a small physicochemical difference between asparagine and serine. This variant is not present in population databases (ExAC no frequency). Algorithms developed to predict the effect of missense changes on protein structure and function are either unavailable or do not agree on the potential impact of this missense change (SIFT: "Deleterious"; PolyPhen-2: "Probably Damaging"; Align-GVGD: "Class C0"). This variant disrupts the p.Asn57 amino acid residue in FBN1. Other variant(s) that disrupt this residue have been observed in individuals with FBN1-related conditions (PMID: 19533785), which suggests that this may be a clinically significant amino acid residue. In summary, the available evidence is currently insufficient to determine the role of this variant in disease. Therefore, it has been classified as a Variant of Uncertain Significance.

Literature cited by the submitters: PubMed 19533785 (cited by Labcorp Genetics (formerly Invitae), Labcorp).